The following is an entry in ClinVar:

NM_001244008.2(KIF1A):c.4789C>T (p.Pro1597Ser)

Gene: KIF1A (kinesin family member 1A; minus strand). Cytogenetic location: 2q37.3.
Variant type: single nucleotide variant.
Coding change: c.4789C>T on transcript NM_001244008.2 (MANE Select); coding-DNA position 4789, C replaced by T.
Protein change: p.Pro1597Ser; replaces proline 1597 with serine.
Molecular consequence: missense variant.
Genome position (GRCh38, 1-based): chr2:240,720,993, G>A on the plus strand (C>T on the coding strand, the complement: KIF1A is on the minus strand). VCF-style: chr2-240720993-G-A. GRCh37 (hg19) VCF-style: chr2-241660410-G-A.
Other names: c.4513C>T, p.Pro1505Ser (NM_001320705.2, NM_001379649.1); c.4540C>T, p.Pro1514Ser (NM_001330289.2); c.4588C>T, p.Pro1530Ser (NM_001330290.2, NM_001379648.1); c.4864C>T, p.Pro1622Ser (NM_001379631.1); c.4765C>T, p.Pro1589Ser (NM_001379632.1); c.4762C>T, p.Pro1588Ser (NM_001379633.1, NM_001379645.1); c.4615C>T, p.Pro1539Ser (NM_001379634.1); c.4612C>T, p.Pro1538Ser (NM_001379635.1, NM_001379646.1); and 7 more; short protein forms P1530S, P1505S, P1514S, P1496S, P1597S, P1504S, P1588S, P1589S.
Identifiers: ClinVar variation 847700 (VCV000847700.10), dbSNP rs2045297930, ClinGen allele CA351301849.
Genomic context (GRCh38, chr2:240,720,993, plus strand): 5'-ACCGCCCTTCAACCAGAGAGGGGCAAGTGGAGGAGGGGGTGAGAGTGGCCACCCCTAGAG[G>A]GGACATCGACGGGTCCCGGAGCAGGGTGACAGACATCTCGGAGAGCTGCGGAGGAGAGGC-3'
Protein context (NP_001230937.1, residues 1587-1607): VTLLRDPSMS[Pro1597Ser]LGVATLTPSS

ClinVar aggregate classification (germline): Uncertain significance (1 of 4 stars; one submission).

Conditions:
Hereditary spastic paraplegia 30. Identifiers: Orphanet 101010, MedGen C5235139, MONDO:0012476.
Neuropathy, hereditary sensory, type 2C. Also called: Hereditary sensory and autonomic neuropathy type IIC; KIF1A-Related HSAN2 (HSAN2C). Identifiers: Orphanet 970, MedGen C3280168, MONDO:0013634, OMIM 614213.
Intellectual disability, autosomal dominant 9 (NESCAVS). Also called: NESCAV SYNDROME; KIF1A-Related Neurodevelopmental Disorder. Identifiers: Orphanet 662367, MedGen C5393830, MONDO:0013656, OMIM 614255.

Allele frequency attached by ClinVar (database versions not stated): TOPMed below 0.00001.
gnomAD v4.1: 7 of 1,610,514 alleles (0.00043%); highest among the groups gnomAD compares: Non-Finnish European, 0.00051%; no homozygotes.

Submission:

Labcorp Genetics (formerly Invitae), Labcorp
Classification: Uncertain significance for Hereditary spastic paraplegia 30; Neuropathy, hereditary sensory, type 2C; Intellectual disability, autosomal dominant 9. Last evaluated: 2019-01-20. Review status: criteria provided, single submitter. Criteria: Invitae Variant Classification Sherloc (09022015). Collection method: clinical testing. Allele origin: germline.
Comment: In summary, the available evidence is currently insufficient to determine the role of this variant in disease. Therefore, it has been classified as a Variant of Uncertain Significance. Algorithms developed to predict the effect of missense changes on protein structure and function (SIFT, PolyPhen-2, Align-GVGD) all suggest that this variant is likely to be tolerated, but these predictions have not been confirmed by published functional studies and their clinical significance is uncertain. This variant has not been reported in the literature in individuals with KIF1A-related conditions. This variant is not present in population databases (ExAC no frequency). This sequence change replaces proline with serine at codon 1496 of the KIF1A protein (p.Pro1496Ser). The proline residue is moderately conserved and there is a moderate physicochemical difference between proline and serine.